The following is an entry in ClinVar:

NM_020911.2(PLXNA4):c.1726C>A (p.Leu576Met)

Gene: PLXNA4 (plexin A4; minus strand). Cytogenetic location: 7q32.3.
Variant type: single nucleotide variant.
Coding change: c.1726C>A on transcript NM_020911.2 (MANE Select); coding-DNA position 1726, C replaced by A.
Protein change: p.Leu576Met; replaces leucine 576 with methionine.
Molecular consequence: missense variant.
Genome position (GRCh38, 1-based): chr7:132,228,348, G>T on the plus strand (C>A on the coding strand, the complement: PLXNA4 is on the minus strand). VCF-style: chr7-132228348-G-T. GRCh37 (hg19) VCF-style: chr7-131913107-G-T.
Other names: c.1726C>A, p.Leu576Met (NM_001393897.1); short protein forms L576M.
Identifiers: ClinVar variation 4989373 (VCV004989373.1).
Genomic context (GRCh38, chr7:132,228,348, plus strand): 5'-GTGAGGGGAGAGTTTTCCTTGCATCCCTGGACCCCACCCCAACCCCCACGACCCTTACCA[G>T]CACGTTGTACTGAGAGACGGAGATATTGTTGGGATGGACCGTCAGCCGGACACACTGCTT-3'
Protein context (NP_065962.1, residues 566-586): NNISVSQYNV[Leu576Met]LVLETYNVPE

ClinVar aggregate classification (germline): Uncertain significance (1 of 4 stars; one submission).

Conditions:
PLXNA4-related disorder. Also called: PLXNA4-related condition.

gnomAD v4.1: 14 of 1,613,936 alleles (0.00087%); highest among the groups gnomAD compares: African/African-American, 0.0013%; no homozygotes.

Submission:

PreventionGenetics, part of Exact Sciences
Classification: Uncertain significance for PLXNA4-related condition. Last evaluated: 2025-10-15. Review status: criteria provided, single submitter. Criteria: ACMG Guidelines, 2015. Collection method: clinical testing. Allele origin: germline.
Comment: The PLXNA4 c.1726C>A variant is predicted to result in the amino acid substitution p.Leu576Met. To our knowledge, this variant has not been reported in the literature. This variant is reported in 0.0016% of alleles in individuals of European (Non-Finnish) descent in gnomAD. At this time, the clinical significance of this variant is uncertain due to the absence of conclusive functional and genetic evidence.